The following is an entry in ClinVar:

NM_000257.4(MYH7):c.2459C>A (p.Ala820Asp)

Genes: MYH7 (myosin heavy chain 7; minus strand), LOC126861898 (BRD4-independent group 4 enhancer GRCh37_chr14:23893609-23894808; plus strand). Cytogenetic location: 14q11.2.
Variant type: single nucleotide variant.
Coding change: c.2459C>A on transcript NM_000257.4 (MANE Select); coding-DNA position 2459, C replaced by A.
Protein change: p.Ala820Asp; replaces alanine 820 with aspartic acid.
Molecular consequence: missense variant.
Genome position (GRCh38, 1-based): chr14:23,424,989, G>T on the plus strand (C>A on the coding strand, the complement: MYH7 is on the minus strand). VCF-style: chr14-23424989-G-T. GRCh37 (hg19) VCF-style: chr14-23894198-G-T.
Other names: short protein forms A820D.
Identifiers: ClinVar variation 657112 (VCV000657112.10), dbSNP rs730880741, ClinGen allele CA389048368.

ClinVar aggregate classification (germline): Pathogenic/Likely pathogenic. Review status: criteria provided, multiple submitters, no conflicts (2 of 4 stars). 2 submissions from 2 submitters: Pathogenic (1); Likely pathogenic (1). Last evaluated 2024-09-17.

Conditions:
Hypertrophic cardiomyopathy. Also called: HYPERTROPHIC MYOCARDIOPATHY. Identifiers: Orphanet 217569, MedGen C0007194, MeSH D002312, MONDO:0005045, HP:0001639.
Cardiovascular phenotype. Identifiers: MedGen CN230736.

Submissions (2):

Ambry Genetics
Classification: Likely pathogenic for Cardiovascular phenotype. Last evaluated: 2024-09-17. Review status: criteria provided, single submitter. Criteria: Ambry Variant Classification Scheme 2023. Collection method: clinical testing. Allele origin: germline.
Comment: The p.A820D variant (also known as c.2459C>A), located in coding exon 20 of the MYH7 gene, results from a C to A substitution at nucleotide position 2459. The alanine at codon 820 is replaced by aspartic acid, an amino acid with dissimilar properties. This alteration is located in the myosin head domain, which contains a statistically significant clustering of pathogenic missense variants (Homburger JR et al. Proc Natl Acad Sci U S A, 2016 06;113:6701-6; Walsh R et al. Genet Med, 2017 02;19:192-203; Ambry internal data). This amino acid position is well conserved in available vertebrate species. In addition, this alteration is predicted to be deleterious by in silico analysis. This variant is considered to be rare based on population cohorts in the Genome Aggregation Database (gnomAD). Based on the majority of available evidence to date, this variant is likely to be pathogenic.

Labcorp Genetics (formerly Invitae), Labcorp
Classification: Pathogenic for Hypertrophic cardiomyopathy. Last evaluated: 2022-08-23. Review status: criteria provided, single submitter. Criteria: Invitae Variant Classification Sherloc (09022015). Collection method: clinical testing. Allele origin: germline.
Comment: For these reasons, this variant has been classified as Pathogenic. This variant is found within a region of MYH7 between codons 181 and 937 that contains the majority of the myosin head domain. Missense variants in this region have been shown to be significantly overrepresented in individuals with hypertrophic cardiomyopathy (PMID: 27532257). Algorithms developed to predict the effect of missense changes on protein structure and function (SIFT, PolyPhen-2, Align-GVGD) all suggest that this variant is likely to be disruptive. ClinVar contains an entry for this variant (Variation ID: 657112). This missense change has been observed in individual(s) with hypertrophic cardiomyopathy (PMID: 25189259). In at least one individual the variant was observed to be de novo. This variant is not present in population databases (gnomAD no frequency). This sequence change replaces alanine, which is neutral and non-polar, with aspartic acid, which is acidic and polar, at codon 820 of the MYH7 protein (p.Ala820Asp).

Literature cited by the submitters: PubMed 25189259 (cited by Ambry Genetics and Labcorp Genetics (formerly Invitae), Labcorp); PubMed 29907873 (cited by Ambry Genetics); PubMed 27532257 (cited by Labcorp Genetics (formerly Invitae), Labcorp).